The following is an entry in ClinVar:

NM_016169.4(SUFU):c.14G>T (p.Arg5Leu)

Genes: SUFU (SUFU negative regulator of hedgehog signaling; plus strand), LOC130004614 (ATAC-STARR-seq lymphoblastoid silent region 2764; plus strand). Cytogenetic location: 10q24.32.
Variant type: single nucleotide variant.
Coding change: c.14G>T on transcript NM_016169.4 (MANE Select); coding-DNA position 14, G replaced by T.
Protein change: p.Arg5Leu; replaces arginine 5 with leucine.
Molecular consequence: missense variant.
Genome position (GRCh38, 1-based): chr10:102,504,166, G>T. VCF-style: chr10-102504166-G-T. GRCh37 (hg19) VCF-style: chr10-104263923-G-T.
Other names: c.14G>T, p.Arg5Leu (NM_001178133.2); short protein forms R5L.
Identifiers: ClinVar variation 5030439 (VCV005030439.1).
Genomic context (GRCh38, chr10:102,504,166, plus strand): 5'-GTCGTTTGCCCTCTCCAGTTCCCCCAGTGCCTGCCCTACGCACCCCGATGGCGGAGCTGC[G>T]GCCTAGCGGCGCCCCCGGCCCCACCGCGCCCCCGGCCCCTGGCCCGACTGCCCCCCCGGC-3'
Protein context (NP_057253.2, residues 1-15): MAEL[Arg5Leu]PSGAPGPTAP

ClinVar aggregate classification (germline): Uncertain significance (1 of 4 stars; one submission).

Conditions:
Hereditary cancer-predisposing syndrome. Also called: Neoplastic Syndromes, Hereditary; Tumor predisposition; Hereditary neoplastic syndrome; Hereditary Cancer Syndrome. Identifiers: Orphanet 140162, MedGen C0027672, MeSH D009386, MONDO:0015356.

Submission:

Ambry Genetics
Classification: Uncertain significance for Hereditary cancer-predisposing syndrome. Last evaluated: 2026-08-05. Review status: criteria provided, single submitter. Criteria: Ambry Variant Classification Scheme 2023. Collection method: clinical testing. Allele origin: germline.
Comment: The p.R5L variant (also known as c.14G>T), located in coding exon 1 of the SUFU gene, results from a G to T substitution at nucleotide position 14. The arginine at codon 5 is replaced by leucine, an amino acid with dissimilar properties. This amino acid position is highly conserved in available vertebrate species. In addition, the in silico prediction for this alteration is inconclusive. Based on the available evidence, the clinical significance of this variant remains unclear.